The following is an entry in ClinVar:

ClinVar aggregate classification (germline): Uncertain significance (1 of 4 stars; one submission).

Allele frequency attached by ClinVar (database versions not stated): gnomAD exomes below 0.00001; TOPMed below 0.00001; gnomAD 0.00001.
gnomAD v4.1: 7 of 1,614,056 alleles (0.00043%); highest among the groups gnomAD compares: Middle Eastern, 0.033%; no homozygotes.

Submission:

Labcorp Genetics (formerly Invitae), Labcorp
Classification: Uncertain significance. Last evaluated: 2022-02-01. Review status: criteria provided, single submitter. Criteria: Invitae Variant Classification Sherloc (09022015). Collection method: clinical testing. Allele origin: germline.
Comment: In summary, the available evidence is currently insufficient to determine the role of this variant in disease. Therefore, it has been classified as a Variant of Uncertain Significance. Algorithms developed to predict the effect of missense changes on protein structure and function are either unavailable or do not agree on the potential impact of this missense change (SIFT: "Not Available"; PolyPhen-2: "Probably Damaging"; Align-GVGD: "Not Available"). ClinVar contains an entry for this variant (Variation ID: 1007118). This variant has not been reported in the literature in individuals affected with ADAMTS18-related conditions. This variant is not present in population databases (gnomAD no frequency). This sequence change replaces glycine, which is neutral and non-polar, with alanine, which is neutral and non-polar, at codon 391 of the ADAMTS18 protein (p.Gly391Ala).

NM_199355.4(ADAMTS18):c.1172G>C (p.Gly391Ala)

Gene: ADAMTS18 (ADAM metallopeptidase with thrombospondin type 1 motif 18; minus strand). Cytogenetic location: 16q23.1.
Variant type: single nucleotide variant.
Coding change: c.1172G>C on transcript NM_199355.4 (MANE Select); coding-DNA position 1172, G replaced by C.
Protein change: p.Gly391Ala; replaces glycine 391 with alanine.
Molecular consequence: missense variant.
Genome position (GRCh38, 1-based): chr16:77,362,149, C>G on the plus strand (G>C on the coding strand, the complement: ADAMTS18 is on the minus strand). VCF-style: chr16-77362149-C-G. GRCh37 (hg19) VCF-style: chr16-77396046-C-G.
Other names: c.656G>C, p.Gly219Ala (NM_001326358.2); short protein forms G219A, G391A.
Identifiers: ClinVar variation 1007118 (VCV001007118.8), dbSNP rs1253354816, ClinGen allele CA396835757.